The following is an entry in ClinVar:

NM_003906.5(MCM3AP):c.4223C>A (p.Thr1408Lys)

Genes: MCM3AP-AS1 (MCM3AP antisense RNA 1; plus strand), MCM3AP (minichromosome maintenance complex component 3 associated protein; minus strand). Cytogenetic location: 21q22.3.
Variant type: single nucleotide variant.
Coding change: c.4223C>A on transcript NM_003906.5 (MANE Select); coding-DNA position 4223, C replaced by A.
Protein change: p.Thr1408Lys; replaces threonine 1408 with lysine.
Molecular consequence: missense variant. On other transcripts: non-coding transcript variant (2).
Genome position (GRCh38, 1-based): chr21:46,251,596, G>T on the plus strand (C>A on the coding strand, the complement: MCM3AP is on the minus strand). VCF-style: chr21-46251596-G-T. GRCh37 (hg19) VCF-style: chr21-47671510-G-T.
Other names: short protein forms T1408K.
Identifiers: ClinVar variation 1375415 (VCV001375415.5), dbSNP rs539917903, ClinGen allele CA10076196.
Genomic context (GRCh38, chr21:46,251,596, plus strand): 5'-CACACGTTAACAGAAATCATCTGATCCCCTTTGCTGCTAAGTGAGTTGAAAAGCGAAAGC[G>T]TCTGAATCCCACCAGCATCGCTGGATGTGTCATCCACTGAGCCTTCATCTCCCATGAACT-3'
Protein context (NP_003897.2, residues 1398-1418): DTSSDAGGIQ[Thr1408Lys]LSLFNSLSSK

ClinVar aggregate classification (germline): Uncertain significance (1 of 4 stars; one submission).

gnomAD v4.1: 38 of 1,612,550 alleles (0.0024%); highest among the groups gnomAD compares: Non-Finnish European, 0.0029%; no homozygotes.

Submission:

Labcorp Genetics (formerly Invitae), Labcorp
Classification: Uncertain significance. Last evaluated: 2021-09-02. Review status: criteria provided, single submitter. Criteria: Invitae Variant Classification Sherloc (09022015). Collection method: clinical testing. Allele origin: germline.
Comment: This sequence change replaces threonine with lysine at codon 1408 of the MCM3AP protein (p.Thr1408Lys). The threonine residue is highly conserved and there is a moderate physicochemical difference between threonine and lysine. This variant is present in population databases (rs539917903, ExAC 0.003%). This variant has not been reported in the literature in individuals affected with MCM3AP-related conditions. Algorithms developed to predict the effect of missense changes on protein structure and function (SIFT, PolyPhen-2, Align-GVGD) all suggest that this variant is likely to be disruptive. In summary, the available evidence is currently insufficient to determine the role of this variant in disease. Therefore, it has been classified as a Variant of Uncertain Significance.